The following is an entry in ClinVar:

NM_002485.5(NBN):c.1199C>T (p.Ala400Val)

Gene: NBN (nibrin; minus strand). Cytogenetic location: 8q21.3.
Variant type: single nucleotide variant.
Coding change: c.1199C>T on transcript NM_002485.5 (MANE Select); coding-DNA position 1199, C replaced by T.
Protein change: p.Ala400Val; replaces alanine 400 with valine.
Molecular consequence: missense variant.
Genome position (GRCh38, 1-based): chr8:89,955,481, G>A on the plus strand (C>T on the coding strand, the complement: NBN is on the minus strand). VCF-style: chr8-89955481-G-A. GRCh37 (hg19) VCF-style: chr8-90967709-G-A.
Other names: c.953C>T, p.Ala318Val (NM_001024688.3); short protein forms A400V, A318V.
Identifiers: ClinVar variation 481861 (VCV000481861.13), dbSNP rs779218232, ClinGen allele CA4802780.

ClinVar aggregate classification (germline): Uncertain significance. Review status: criteria provided, multiple submitters, no conflicts (2 of 4 stars). 5 submissions from 5 submitters: Uncertain significance (4). 1 of the submissions does not count toward it. Last evaluated 2025-08-12.

Conditions:
Hereditary cancer-predisposing syndrome. Also called: Hereditary neoplastic syndrome; Neoplastic Syndromes, Hereditary; Tumor predisposition; Hereditary Cancer Syndrome. Identifiers: Orphanet 140162, MedGen C0027672, MeSH D009386, MONDO:0015356.
Microcephaly, normal intelligence and immunodeficiency (NBS). Also called: IMMUNODEFICIENCY, MICROCEPHALY, AND CHROMOSOMAL INSTABILITY; SEEMANOVA SYNDROME II; Nijmegen breakage syndrome; Microcephaly with normal intelligence immunodeficiency and lymphoreticular malignancies; Nonsyndromal microcephaly autosomal recessive with normal intelligence; Seemanova syndrome 2. Identifiers: Orphanet 647, MedGen C0398791, MONDO:0009623, OMIM 251260.

Allele frequency attached by ClinVar (database versions not stated): gnomAD exomes below 0.00001; ExAC 0.00001.
gnomAD v4.1: 1 of 1,613,454 alleles (0.000062%); highest among the groups gnomAD compares: Admixed American, 0.0017%; no homozygotes.

Submissions (5):

Ambry Genetics
Classification: Uncertain significance for Hereditary cancer-predisposing syndrome. Last evaluated: 2025-08-12. Review status: criteria provided, single submitter. Criteria: Ambry Variant Classification Scheme 2023. Collection method: clinical testing. Allele origin: germline.
Comment: The p.A400V variant (also known as c.1199C>T), located in coding exon 10 of the NBN gene, results from a C to T substitution at nucleotide position 1199. The alanine at codon 400 is replaced by valine, an amino acid with similar properties. This amino acid position is poorly conserved in available vertebrate species. In addition, this alteration is predicted to be tolerated by in silico analysis. Since supporting evidence is limited at this time, the clinical significance of this alteration remains unclear.

Women's Health and Genetics/Laboratory Corporation of America, LabCorp
Classification: Uncertain significance. Last evaluated: 2023-05-18. Review status: criteria provided, single submitter. Criteria: LabCorp Variant Classification Summary - May 2015. Collection method: clinical testing. Allele origin: germline.

Quest Diagnostics Nichols Institute San Juan Capistrano
Classification: Uncertain significance. Last evaluated: 2023-05-01. Review status: criteria provided, single submitter. Criteria: Quest Diagnostics criteria. Collection method: clinical testing. Allele origin: unknown.
Comment: The variant has not been reported in the published literature. The frequency of this variant in the general population, 0.000004 (1/251060 chromosomes), is uninformative in assessment of its pathogenicity. Analysis of this variant using bioinformatics tools for the prediction of the effect of amino acid changes on protein structure and function yielded predictions that this variant is benign. Based on the available information, we are unable to determine the clinical significance of this variant.

Labcorp Genetics (formerly Invitae), Labcorp
Classification: Uncertain significance for Microcephaly, normal intelligence and immunodeficiency. Last evaluated: 2022-08-22. Review status: criteria provided, single submitter. Criteria: Invitae Variant Classification Sherloc (09022015). Collection method: clinical testing. Allele origin: germline.
Comment: This variant is present in population databases (rs779218232, gnomAD 0.003%). This variant has not been reported in the literature in individuals affected with NBN-related conditions. ClinVar contains an entry for this variant (Variation ID: 481861). Algorithms developed to predict the effect of missense changes on protein structure and function (SIFT, PolyPhen-2, Align-GVGD) all suggest that this variant is likely to be tolerated. In summary, the available evidence is currently insufficient to determine the role of this variant in disease. Therefore, it has been classified as a Variant of Uncertain Significance. This sequence change replaces alanine, which is neutral and non-polar, with valine, which is neutral and non-polar, at codon 400 of the NBN protein (p.Ala400Val).

Natera, Inc.
Classification: Uncertain significance for Nijmegen breakage syndrome. Last evaluated: 2020-09-03. Review status: no assertion criteria provided. Collection method: clinical testing. Allele origin: germline. Not counted in ClinVar's aggregate classification.